The following is an entry in ClinVar:

NM_175875.5(SIX5):c.1579G>A (p.Ala527Thr)

Gene: SIX5 (SIX homeobox 5; minus strand). Cytogenetic location: 19q13.32.
Variant type: single nucleotide variant.
Coding change: c.1579G>A on transcript NM_175875.5 (MANE Select); coding-DNA position 1579, G replaced by A.
Protein change: p.Ala527Thr; replaces alanine 527 with threonine.
Molecular consequence: missense variant.
Genome position (GRCh38, 1-based): chr19:45,766,380, C>T on the plus strand (G>A on the coding strand, the complement: SIX5 is on the minus strand). VCF-style: chr19-45766380-C-T. GRCh37 (hg19) VCF-style: chr19-46269638-C-T.
Other names: c.1579G>A (NM_175875.4); short protein forms A527T.
Identifiers: ClinVar variation 2071276 (VCV002071276.5), dbSNP rs747084700, ClinGen allele CA9520599.
Genomic context (GRCh38, chr19:45,766,380, plus strand): 5'-CCTAGGCCTGAGGGAGGGAGATGGGGGTACCTGGGGCAGTGGCCGAAGGCAGCTGCAGGG[C>T]AGTCACGCCCACCCCGGAGTTGATGAGGTGCACATTGGCAGGGCCTGCTGCAGCTGCCAC-3'
Protein context (NP_787071.3, residues 517-537): HLINSGVGVT[Ala527Thr]LQLPSATAPG

ClinVar aggregate classification (germline): Conflicting classifications of pathogenicity. Review status: criteria provided, conflicting classifications (1 of 4 stars). 2 submissions from 2 submitters: Uncertain significance (1); Likely benign (1). Last evaluated 2024-09-24.

Allele frequency attached by ClinVar (database versions not stated): ExAC 0.00019; TOPMed 0.00002.
gnomAD v4.1: 24 of 1,590,210 alleles (0.0015%); highest among the groups gnomAD compares: Admixed American, 0.042%; no homozygotes.

Submissions (2):

Ambry Genetics
Classification: Likely benign. Last evaluated: 2024-09-24. Review status: criteria provided, single submitter. Criteria: Ambry Variant Classification Scheme 2023. Collection method: clinical testing. Allele origin: germline.

Labcorp Genetics (formerly Invitae), Labcorp
Classification: Uncertain significance. Last evaluated: 2024-03-11. Review status: criteria provided, single submitter. Criteria: Invitae Variant Classification Sherloc (09022015). Collection method: clinical testing. Allele origin: germline.
Comment: This sequence change replaces alanine, which is neutral and non-polar, with threonine, which is neutral and polar, at codon 527 of the SIX5 protein (p.Ala527Thr). This variant is present in population databases (rs747084700, gnomAD 0.08%), and has an allele count higher than expected for a pathogenic variant. This variant has not been reported in the literature in individuals affected with SIX5-related conditions. ClinVar contains an entry for this variant (Variation ID: 2071276). Advanced modeling of protein sequence and biophysical properties (such as structural, functional, and spatial information, amino acid conservation, physicochemical variation, residue mobility, and thermodynamic stability) performed at Invitae indicates that this missense variant is not expected to disrupt SIX5 protein function with a negative predictive value of 80%. In summary, the available evidence is currently insufficient to determine the role of this variant in disease. Therefore, it has been classified as a Variant of Uncertain Significance.